The following is an entry in ClinVar:

NM_018685.5(ANLN):c.2105A>T (p.Lys702Ile)

Gene: ANLN (anillin, actin binding protein; plus strand). Cytogenetic location: 7p14.2.
Variant type: single nucleotide variant.
Coding change: c.2105A>T on transcript NM_018685.5 (MANE Select); coding-DNA position 2105, A replaced by T.
Protein change: p.Lys702Ile; replaces lysine 702 with isoleucine.
Molecular consequence: missense variant.
Genome position (GRCh38, 1-based): chr7:36,420,686, A>T. VCF-style: chr7-36420686-A-T. GRCh37 (hg19) VCF-style: chr7-36460295-A-T.
Other names: c.1994A>T, p.Lys665Ile (NM_001284301.3); c.1991A>T, p.Lys664Ile (NM_001284302.3); short protein forms K664I, K702I, K665I.
Identifiers: ClinVar variation 4744269 (VCV004744269.1).
Genomic context (GRCh38, chr7:36,420,686, plus strand): 5'-AAGAAACAGAACGTCCATCAATAAAGCAGGTGATTGTTCGGAAGGAAGATGTTACTTCAA[A>T]ACTGGATGAAAAAAATAATGCCTTTCCTTGTCAAGTTAATATCAAACAGAAAATGCAGGT-3'
Protein context (NP_061155.2, residues 692-712): VIVRKEDVTS[Lys702Ile]LDEKNNAFPC

ClinVar aggregate classification (germline): Uncertain significance (1 of 4 stars; one submission).

Submission:

Labcorp Genetics (formerly Invitae), Labcorp
Classification: Uncertain significance. Last evaluated: 2025-05-19. Review status: criteria provided, single submitter. Criteria: Invitae Variant Classification Sherloc (09022015). Collection method: clinical testing. Allele origin: germline.
Comment: This sequence change replaces lysine, which is basic and polar, with isoleucine, which is neutral and non-polar, at codon 702 of the ANLN protein (p.Lys702Ile). This variant is not present in population databases (gnomAD no frequency). This variant has not been reported in the literature in individuals affected with ANLN-related conditions. Invitae Evidence Modeling of protein sequence and biophysical properties (such as structural, functional, and spatial information, amino acid conservation, physicochemical variation, residue mobility, and thermodynamic stability) indicates that this missense variant is not expected to disrupt ANLN protein function with a negative predictive value of 80%. In summary, the available evidence is currently insufficient to determine the role of this variant in disease. Therefore, it has been classified as a Variant of Uncertain Significance.